The following is an entry in ClinVar:

ClinVar aggregate classification (germline): Uncertain significance (1 of 4 stars; one submission).

Conditions:
Spastic ataxia 3. Also called: AUTOSOMAL RECESSIVE SPASTIC ATAXIA WITH LEUKOENCEPHALOPATHY; Ataxia, spastic, 3, autosomal recessive. Identifiers: Orphanet 314603, MedGen C1969645, MONDO:0012664, OMIM 611390.

Submission:

Neuberg Centre For Genomic Medicine, NCGM
Classification: Uncertain significance for Spastic ataxia 3. Last evaluated: 2023-07-22. Review status: criteria provided, single submitter. Criteria: ACMG Guidelines, 2015. Collection method: clinical testing. Allele origin: germline. Inheritance: Autosomal recessive inheritance. Affected: yes.
Comment: The observed stop gained c.504G>Ap.Trp168Ter variant in MARS2 gene has not been reported previously as a pathogenic variant nor as a benign variant, to our knowledge. This variant is absent in gnomAD Exomes. This variant is predicted to cause loss of normal protein function either through protein truncation or nonsense-mediated mRNA decay. Loss of function variants have been previously reported to be disease causing. Computational evidence MutationTaster - Disease causing predicts damaging effect on protein structure and function for this variant. However, study of the variant in multiple affected individuals and its functional impact on the protein is required to determine the pathogenicity of the variant. For these reasons, this variant has been classified as Uncertain Significance. In the absence of another reportable variant, the molecular diagnosis is not confirmed.

NM_138395.4(MARS2):c.504G>A (p.Trp168Ter)

Gene: MARS2 (methionyl-tRNA synthetase 2, mitochondrial; plus strand). Cytogenetic location: 2q33.1.
Variant type: single nucleotide variant.
Coding change: c.504G>A on transcript NM_138395.4 (MANE Select); coding-DNA position 504, G replaced by A.
Protein change: p.Trp168Ter; replaces tryptophan 168 with a stop codon.
Molecular consequence: nonsense.
Genome position (GRCh38, 1-based): chr2:197,705,909, G>A. VCF-style: chr2-197705909-G-A. GRCh37 (hg19) VCF-style: chr2-198570633-G-A.
Other names: short protein forms W168*.
Identifiers: ClinVar variation 3391357 (VCV003391357.1).